The following is an entry in ClinVar:

ClinVar aggregate classification (germline): Uncertain significance. Review status: criteria provided, multiple submitters, no conflicts (2 of 4 stars). 2 submissions from 2 submitters: Uncertain significance (2). Last evaluated 2025-11-11.

Conditions:
Hereditary cancer-predisposing syndrome. Also called: Hereditary Cancer Syndrome; Hereditary neoplastic syndrome; Neoplastic Syndromes, Hereditary; Tumor predisposition. Identifiers: Orphanet 140162, MedGen C0027672, MeSH D009386, MONDO:0015356.
Rhabdoid tumor predisposition syndrome 2 (RTPS2). Identifiers: Orphanet 231108, Orphanet 69077, MedGen C2750074, MONDO:0013224, OMIM 613325.

Submissions (2):

Labcorp Genetics (formerly Invitae), Labcorp
Classification: Uncertain significance for Rhabdoid tumor predisposition syndrome 2. Last evaluated: 2025-11-11. Review status: criteria provided, single submitter. Criteria: Invitae Variant Classification Sherloc (09022015). Collection method: clinical testing. Allele origin: germline.
Comment: This sequence change replaces alanine, which is neutral and non-polar, with serine, which is neutral and polar, at codon 483 of the SMARCA4 protein (p.Ala483Ser). This variant is not present in population databases (gnomAD no frequency). This variant has not been reported in the literature in individuals affected with SMARCA4-related conditions. ClinVar contains an entry for this variant (Variation ID: 1772826). Invitae Evidence Modeling of protein sequence and biophysical properties (such as structural, functional, and spatial information, amino acid conservation, physicochemical variation, residue mobility, and thermodynamic stability) indicates that this missense variant is not expected to disrupt SMARCA4 protein function with a negative predictive value of 80%. In summary, the available evidence is currently insufficient to determine the role of this variant in disease. Therefore, it has been classified as a Variant of Uncertain Significance.

Ambry Genetics
Classification: Uncertain significance for Hereditary cancer-predisposing syndrome. Last evaluated: 2019-12-24. Review status: criteria provided, single submitter. Criteria: Ambry Variant Classification Scheme 2023. Collection method: clinical testing. Allele origin: germline.
Comment: The p.A483S variant (also known as c.1447G>T), located in coding exon 8 of the SMARCA4 gene, results from a G to T substitution at nucleotide position 1447. The alanine at codon 483 is replaced by serine, an amino acid with similar properties. This amino acid position is highly conserved in available vertebrate species. In addition, this alteration is predicted to be tolerated by in silico analysis. Since supporting evidence is limited at this time, the clinical significance of this alteration remains unclear.

NM_003072.5(SMARCA4):c.1447G>T (p.Ala483Ser)

Gene: SMARCA4 (SWI/SNF related BAF chromatin remodeling complex subunit ATPase 4; plus strand). Cytogenetic location: 19p13.2.
Variant type: single nucleotide variant.
Coding change: c.1447G>T on transcript NM_003072.5 (MANE Select); coding-DNA position 1447, G replaced by T.
Protein change: p.Ala483Ser; replaces alanine 483 with serine.
Molecular consequence: missense variant. On other transcripts: non-coding transcript variant (1).
Genome position (GRCh38, 1-based): chr19:10,994,855, G>T. VCF-style: chr19-10994855-G-T. GRCh37 (hg19) VCF-style: chr19-11105531-G-T.
Other names: c.1447G>T, p.Ala483Ser (NM_001128844.3, NM_001128845.2, NM_001128846.2 and 6 more transcripts); short protein forms A483S.
Identifiers: ClinVar variation 1772826 (VCV001772826.3), dbSNP rs2145937945, ClinGen allele CA404062003.